The following is an entry in ClinVar:

ClinVar aggregate classification (germline): Uncertain significance (1 of 4 stars; one submission).

Allele frequency attached by ClinVar (database versions not stated): gnomAD exomes 0.00001.

Submission:

Labcorp Genetics (formerly Invitae), Labcorp
Classification: Uncertain significance. Last evaluated: 2024-02-14. Review status: criteria provided, single submitter. Criteria: Invitae Variant Classification Sherloc (09022015). Collection method: clinical testing. Allele origin: germline.
Comment: This sequence change replaces asparagine, which is neutral and polar, with serine, which is neutral and polar, at codon 55 of the CYCS protein (p.Asn55Ser). This variant is not present in population databases (gnomAD no frequency). This variant has not been reported in the literature in individuals affected with CYCS-related conditions. Algorithms developed to predict the effect of missense changes on protein structure and function output the following: SIFT: "Not Available"; PolyPhen-2: "Benign"; Align-GVGD: "Not Available". The serine amino acid residue is found in multiple mammalian species, which suggests that this missense change does not adversely affect protein function. In summary, the available evidence is currently insufficient to determine the role of this variant in disease. Therefore, it has been classified as a Variant of Uncertain Significance.

NM_018947.6(CYCS):c.164A>G (p.Asn55Ser)

Gene: CYCS (cytochrome c, somatic; minus strand). Cytogenetic location: 7p15.3.
Variant type: single nucleotide variant.
Coding change: c.164A>G on transcript NM_018947.6 (MANE Select); coding-DNA position 164, A replaced by G.
Protein change: p.Asn55Ser; replaces asparagine 55 with serine.
Molecular consequence: missense variant.
Genome position (GRCh38, 1-based): chr7:25,123,956, T>C on the plus strand (A>G on the coding strand, the complement: CYCS is on the minus strand). VCF-style: chr7-25123956-T-C. GRCh37 (hg19) VCF-style: chr7-25163575-T-C.
Other names: short protein forms N55S.
Identifiers: ClinVar variation 2807086 (VCV002807086.3), dbSNP rs2535206619, ClinGen allele CA367060304.